The following is an entry in ClinVar:

NM_001371986.1(UNC80):c.5799A>G (p.Gly1933=)

Gene: UNC80 (unc-80 homolog, NALCN channel complex subunit; plus strand). Cytogenetic location: 2q34.
Variant type: single nucleotide variant.
Coding change: c.5799A>G on transcript NM_001371986.1 (MANE Select); coding-DNA position 5799, A replaced by G.
Protein change: p.Gly1933=; no amino-acid change (glycine 1933 retained).
Molecular consequence: synonymous variant.
Genome position (GRCh38, 1-based): chr2:209,926,979, A>G. VCF-style: chr2-209926979-A-G. GRCh37 (hg19) VCF-style: chr2-210791703-A-G.
Other names: c.5601A>G, p.Gly1867= (NM_032504.2); c.5586A>G, p.Gly1862= (NM_182587.4).
Identifiers: ClinVar variation 2801661 (VCV002801661.1), dbSNP rs1016437891, ClinGen allele CA65041101.

ClinVar aggregate classification (germline): Uncertain significance (1 of 4 stars; one submission).

Allele frequency attached by ClinVar (database versions not stated): TOPMed below 0.00001; gnomAD 0.00001; gnomAD exomes 0.00001.
gnomAD v4.1: 5 of 1,551,656 alleles (0.00032%); highest among the groups gnomAD compares: Non-Finnish European, 0.00044%; no homozygotes.

Submission:

Labcorp Genetics (formerly Invitae), Labcorp
Classification: Uncertain significance. Last evaluated: 2023-04-30. Review status: criteria provided, single submitter. Criteria: Invitae Variant Classification Sherloc (09022015). Collection method: clinical testing. Allele origin: germline.
Comment: In summary, the available evidence is currently insufficient to determine the role of this variant in disease. Therefore, it has been classified as a Variant of Uncertain Significance. Algorithms developed to predict the effect of sequence changes on RNA splicing suggest that this variant may disrupt the consensus splice site. This variant has not been reported in the literature in individuals affected with UNC80-related conditions. This variant is present in population databases (no rsID available, gnomAD 0.003%). This sequence change affects codon 1867 of the UNC80 mRNA. It is a 'silent' change, meaning that it does not change the encoded amino acid sequence of the UNC80 protein.